The following is an entry in ClinVar:

ClinVar aggregate classification (germline): Uncertain significance. Review status: criteria provided, multiple submitters, no conflicts (2 of 4 stars). 2 submissions from 2 submitters: Uncertain significance (2). Last evaluated 2025-06-25.

Conditions:
Inborn genetic diseases. Identifiers: MedGen C0950123, MeSH D030342.
Spastic paraplegia. Identifiers: MedGen C0037772, HP:0001258.

Allele frequency attached by ClinVar (database versions not stated): gnomAD exomes 0.00001; TOPMed 0.00002.
gnomAD v4.1: 13 of 1,614,048 alleles (0.00081%); highest among the groups gnomAD compares: African/African-American, 0.008%; no homozygotes.

Submissions (2):

Ambry Genetics
Classification: Uncertain significance for Inborn genetic diseases. Last evaluated: 2025-06-25. Review status: criteria provided, single submitter. Criteria: Ambry Variant Classification Scheme 2023. Collection method: clinical testing. Allele origin: germline.

Labcorp Genetics (formerly Invitae), Labcorp
Classification: Uncertain significance for Spastic paraplegia. Last evaluated: 2022-08-22. Review status: criteria provided, single submitter. Criteria: Invitae Variant Classification Sherloc (09022015). Collection method: clinical testing. Allele origin: germline.
Comment: This sequence change replaces serine, which is neutral and polar, with glycine, which is neutral and non-polar, at codon 3715 of the SACS protein (p.Ser3715Gly). This variant is present in population databases (rs528677688, gnomAD 0.003%). This variant has not been reported in the literature in individuals affected with SACS-related conditions. Advanced modeling of protein sequence and biophysical properties (such as structural, functional, and spatial information, amino acid conservation, physicochemical variation, residue mobility, and thermodynamic stability) performed at Invitae indicates that this missense variant is not expected to disrupt SACS protein function. In summary, the available evidence is currently insufficient to determine the role of this variant in disease. Therefore, it has been classified as a Variant of Uncertain Significance.

NM_014363.6(SACS):c.11143A>G (p.Ser3715Gly)

Gene: SACS (sacsin molecular chaperone; minus strand). Cytogenetic location: 13q12.12.
Variant type: single nucleotide variant.
Coding change: c.11143A>G on transcript NM_014363.6 (MANE Select); coding-DNA position 11143, A replaced by G.
Protein change: p.Ser3715Gly; replaces serine 3715 with glycine.
Molecular consequence: missense variant.
Genome position (GRCh38, 1-based): chr13:23,332,733, T>C on the plus strand (A>G on the coding strand, the complement: SACS is on the minus strand). VCF-style: chr13-23332733-T-C. GRCh37 (hg19) VCF-style: chr13-23906872-T-C.
Other names: c.11143A>G (NM_014363.4); c.10702A>G, p.Ser3568Gly (NM_001278055.2); short protein forms S3568G, S3715G.
Identifiers: ClinVar variation 1979182 (VCV001979182.2), dbSNP rs528677688, ClinGen allele CA246651687.